The following is an entry in ClinVar:

NM_001164508.2(NEB):c.25003A>T (p.Lys8335Ter)

Genes: NEB (nebulin; minus strand), RIF1 (replication timing regulatory factor 1; plus strand). Cytogenetic location: 2q23.3.
Variant type: single nucleotide variant.
Coding change: c.25003A>T on transcript NM_001164508.2 (MANE Select); coding-DNA position 25003, A replaced by T.
Protein change: p.Lys8335Ter; replaces lysine 8335 with a stop codon.
Molecular consequence: nonsense.
Genome position (GRCh38, 1-based): chr2:151,492,152, T>A on the plus strand (A>T on the coding strand, the complement: NEB is on the minus strand). VCF-style: chr2-151492152-T-A. GRCh37 (hg19) VCF-style: chr2-152348666-T-A.
Other names: c.25003A>T, p.Lys8335Ter (NM_001164507.2); c.25108A>T, p.Lys8370Ter (NM_001271208.2); c.19435A>T, p.Lys6479Ter (NM_004543.5); short protein forms K6479*, K8335*, K8370*.
Identifiers: ClinVar variation 1069433 (VCV001069433.8), dbSNP rs2152821411, ClinGen allele CA348773433.
Genomic context (GRCh38, chr2:151,492,152, plus strand): 5'-AGTTACCTGTAATAGTCTCCTGATCTTGGTCATTCCGTTTTTGTTCCATTTCTACCACTT[T>A]CCTCTGAATACCTCGGTAGTTAATGTCACTGAAGTCCTGCATGTTCTTCTTTACTCGTTC-3'

ClinVar aggregate classification (germline): Pathogenic. Review status: criteria provided, multiple submitters, no conflicts (2 of 4 stars). 2 submissions from 2 submitters: Pathogenic (2). Last evaluated 2025-08-27.

Conditions:
Nemaline myopathy 2 (NEM2). Also called: Nemaline myopathy 2, autosomal recessive. Identifiers: MedGen C1850569, MONDO:0009725, OMIM 256030.

Submissions (2):

Myriad Genetics, Inc.
Classification: Pathogenic for Nemaline myopathy 2. Last evaluated: 2025-08-27. Review status: criteria provided, single submitter. Criteria: Myriad Autosomal Dominant, Autosomal Recessive and X-Linked Classification Criteria (2023). Collection method: clinical testing. Allele origin: unknown.
Comment: NM_001271208.1(NEB):c.25108A>T(K8370*) is expected to be pathogenic in the context of NEB-related nemaline myopathy. This variant is predicted to lead to an abnormal or absent protein product due to the creation of a premature termination codon in NEB, a gene where loss-of-function variants are known to be pathogenic. Please note: this variant was assessed in the context of healthy population screening.

Labcorp Genetics (formerly Invitae), Labcorp
Classification: Pathogenic for Nemaline myopathy 2. Last evaluated: 2020-06-13. Review status: criteria provided, single submitter. Criteria: Invitae Variant Classification Sherloc (09022015). Collection method: clinical testing. Allele origin: germline.
Comment: This sequence change creates a premature translational stop signal (p.Lys8370*) in the NEB gene. It is expected to result in an absent or disrupted protein product. This variant is not present in population databases (ExAC no frequency). This variant has not been reported in the literature in individuals with NEB-related conditions. Algorithms developed to predict the effect of sequence changes on RNA splicing suggest that this variant may create or strengthen a splice site, but this prediction has not been confirmed by published transcriptional studies. Loss-of-function variants in NEB are known to be pathogenic (PMID: 25205138). For these reasons, this variant has been classified as Pathogenic.

Literature cited by the submitters: PubMed 25205138 (cited by Labcorp Genetics (formerly Invitae), Labcorp).